The following is an entry in ClinVar:

ClinVar aggregate classification (germline): Pathogenic. Review status: criteria provided, multiple submitters, no conflicts (2 of 4 stars). 2 submissions from 2 submitters: Pathogenic (2). Last evaluated 2025-09-14.

Conditions:
Hereditary breast ovarian cancer syndrome. Also called: Hereditary breast and ovarian cancer syndrome (HBOC); Breast and ovarian cancer; Hereditary breast and ovarian cancer syndrome; Hereditary breast and ovarian cancer; BRCA1- and BRCA2-Associated Hereditary Breast and Ovarian Cancer; Hereditary breast and/or ovarian cancer syndrome. Identifiers: Orphanet 145, MedGen C0677776, MeSH D061325, MONDO:0003582. Disease mechanism: loss of function.
Breast-ovarian cancer, familial, susceptibility to, 2 (BROVCA2). Also called: BRCA2 Hereditary Breast and Ovarian Cancer. Identifiers: Orphanet 145, MedGen C2675520, MONDO:0012933, OMIM 612555. Disease mechanism: loss of function.

Submissions (2):

Labcorp Genetics (formerly Invitae), Labcorp
Classification: Pathogenic for Hereditary breast ovarian cancer syndrome. Last evaluated: 2025-09-14. Review status: criteria provided, single submitter. Criteria: Invitae Variant Classification Sherloc (09022015). Collection method: clinical testing. Allele origin: germline.
Comment: This sequence change creates a premature translational stop signal (p.Lys3236*) in the BRCA2 gene. While this is not anticipated to result in nonsense mediated decay, it is expected to disrupt the last 183 amino acid(s) of the BRCA2 protein. This variant is not present in population databases (gnomAD no frequency). This premature translational stop signal has been observed in individual(s) with personal and family history of breast and/or ovarian cancer (PMID: 29470806). ClinVar contains an entry for this variant (Variation ID: 582595). RNA analysis performed to evaluate the impact of this premature translational stop signal on mRNA splicing indicates it does not significantly alter splicing (internal data). This variant disrupts a stretch of 36 conserved residues (amino acids Ala3270-Gly3305) in BRCA2 which are critical for RAD51-mediated DNA repair activity of the BRCA2 protein (PMID: 17515903, 24323938). While functional studies have not been performed to directly test the effect of this variant on BRCA2 protein function, this suggests that disruption of this region of the protein is causative of disease. This variant disrupts a region of the BRCA2 protein in which other variant(s) (p.Tyr3308*) have been determined to be pathogenic (PMID: 17026620, 18593900, 18607349, 22711857). This suggests that this is a clinically significant region of the protein, and that variants that disrupt it are likely to be disease-causing. For these reasons, this variant has been classified as Pathogenic.

Myriad Genetics, Inc.
Classification: Pathogenic for Breast-ovarian cancer, familial, susceptibility to, 2. Last evaluated: 2023-01-11. Review status: criteria provided, single submitter. Criteria: Myriad Autosomal Dominant, Autosomal Recessive and X-Linked Classification Criteria (2023). Collection method: clinical testing. Allele origin: unknown.
Comment: This variant is considered pathogenic. This variant creates a termination codon and is predicted to result in premature protein truncation.

Literature cited by the submitters: PubMed 29470806 (cited by Labcorp Genetics (formerly Invitae), Labcorp); PubMed 17515903 (cited by Labcorp Genetics (formerly Invitae), Labcorp); PubMed 24323938 (cited by Labcorp Genetics (formerly Invitae), Labcorp); PubMed 17026620 (cited by Labcorp Genetics (formerly Invitae), Labcorp); PubMed 18593900 (cited by Labcorp Genetics (formerly Invitae), Labcorp); PubMed 18607349 (cited by Labcorp Genetics (formerly Invitae), Labcorp); PubMed 22711857 (cited by Labcorp Genetics (formerly Invitae), Labcorp).

NM_000059.4(BRCA2):c.9706A>T (p.Lys3236Ter)

Gene: BRCA2 (BRCA2 DNA repair associated; plus strand). Cytogenetic location: 13q13.1.
Variant type: single nucleotide variant.
Coding change: c.9706A>T on transcript NM_000059.4 (MANE Select); coding-DNA position 9706, A replaced by T.
Protein change: p.Lys3236Ter; replaces lysine 3236 with a stop codon.
Molecular consequence: nonsense.
Genome position (GRCh38, 1-based): chr13:32,398,219, A>T. VCF-style: chr13-32398219-A-T. GRCh37 (hg19) VCF-style: chr13-32972356-A-T.
Other names: short protein forms K3236*.
Identifiers: ClinVar variation 582595 (VCV000582595.15), dbSNP rs80359239, ClinGen allele CA387765413.
Genomic context (GRCh38, chr13:32,398,219, plus strand): 5'-CAGATGTCTTCTCCTAATTGTGAGATATATTATCAAAGTCCTTTATCACTTTGTATGGCC[A>T]AAAGGAAGTCTGTTTCCACACCTGTCTCAGCCCAGATGACTTCAAAGTCTTGTAAAGGGG-3'